The following is an entry in ClinVar:

ClinVar aggregate classification (germline): Likely benign. Review status: criteria provided, single submitter (1 of 4 stars). 2 submissions from 2 submitters: Likely benign (1). 1 of the submissions does not count toward it. Last evaluated 2025-06-27.

Conditions:
AEBP1-related disorder. Also called: AEBP1-related condition.

Allele frequency attached by ClinVar (database versions not stated): ExAC 0.00009; 1000 Genomes Project 0.00020; 1000 Genomes Project 30x 0.00031; gnomAD 0.00033 and 0.00035; ESP Exome Variant Server 0.00038; TOPMed 0.00042.

Submissions (2):

Labcorp Genetics (formerly Invitae), Labcorp
Classification: Likely benign. Last evaluated: 2025-06-27. Review status: criteria provided, single submitter. Criteria: Invitae Variant Classification Sherloc (09022015). Collection method: clinical testing. Allele origin: germline.

PreventionGenetics, part of Exact Sciences
Classification: Likely benign for AEBP1-related condition. Last evaluated: 2019-09-11. Review status: no assertion criteria provided. Collection method: clinical testing. Allele origin: germline. Not counted in ClinVar's aggregate classification.
Comment: This variant is classified as likely benign based on ACMG/AMP sequence variant interpretation guidelines (Richards et al. 2015 PMID: 25741868, with internal and published modifications).

NM_001129.5(AEBP1):c.2952C>T (p.Arg984=)

Gene: AEBP1 (AE binding protein 1; plus strand). Cytogenetic location: 7p13.
Variant type: single nucleotide variant.
Coding change: c.2952C>T on transcript NM_001129.5 (MANE Select); coding-DNA position 2952, C replaced by T.
Protein change: p.Arg984=; no amino-acid change (arginine 984 retained).
Molecular consequence: synonymous variant.
Genome position (GRCh38, 1-based): chr7:44,113,736, C>T. VCF-style: chr7-44113736-C-T. GRCh37 (hg19) VCF-style: chr7-44153335-C-T.
Other names: c.2952C>T (NM_001129.4).
Identifiers: ClinVar variation 1618133 (VCV001618133.10), dbSNP rs141977965, ClinGen allele CA4238368.